The following is an entry in ClinVar:

NM_000108.5(DLD):c.1502C>T (p.Ala501Val)

Gene: DLD (dihydrolipoamide dehydrogenase; plus strand). Cytogenetic location: 7q31.1.
Variant type: single nucleotide variant.
Coding change: c.1502C>T on transcript NM_000108.5 (MANE Select); coding-DNA position 1502, C replaced by T.
Protein change: p.Ala501Val; replaces alanine 501 with valine.
Molecular consequence: missense variant.
Genome position (GRCh38, 1-based): chr7:107,919,231, C>T. VCF-style: chr7-107919231-C-T. GRCh37 (hg19) VCF-style: chr7-107559676-C-T.
Other names: c.1502C>T (NM_000108.3); c.1205C>T, p.Ala402Val (NM_001289750.1); c.1433C>T, p.Ala478Val (NM_001289751.1); c.1358C>T, p.Ala453Val (NM_001289752.1); short protein forms A478V, A501V, A453V, A402V.
Identifiers: ClinVar variation 2158829 (VCV002158829.4), dbSNP rs527263746, ClinGen allele CA4434734.
Genomic context (GRCh38, chr7:107,919,231, plus strand): 5'-ATTTTAAATTTCTTCCCTTGCAGACCTTATCAGAAGCTTTTAGAGAAGCAAATCTTGCTG[C>T]GTCATTTGGCAAATCAATCAACTTTTGAATTAGAAGATTATATATATTTTTTTCTGAAAT-3'
Protein context (NP_000099.2, residues 491-509): SEAFREANLA[Ala501Val]SFGKSINF

ClinVar aggregate classification (germline): Uncertain significance. Review status: criteria provided, multiple submitters, no conflicts (2 of 4 stars). 3 submissions from 3 submitters: Uncertain significance (3). Last evaluated 2025-02-24.

Conditions:
Inborn genetic diseases. Identifiers: MedGen C0950123, MeSH D030342.
Pyruvate dehydrogenase E3 deficiency (DLDD). Also called: Dihydrolipoamide Dehydrogenase Deficiency; MAPLE SYRUP URINE DISEASE, TYPE III; DLD DEFICIENCY; E3 DEFICIENCY; Dihydrolipoamide Dehydrogenase (E3) Deficiency; Dihydrolipoamide Dehydrogenase E3 Deficiency. Identifiers: Orphanet 2394, Orphanet 765, MedGen C5574660, MONDO:0009529, OMIM 246900.

Allele frequency attached by ClinVar (database versions not stated): gnomAD 0.00001; gnomAD exomes 0.00001; TOPMed 0.00002; 1000 Genomes Project 0.00020; 1000 Genomes Project 30x 0.00031.

Submissions (3):

Labcorp Genetics (formerly Invitae), Labcorp
Classification: Uncertain significance for Pyruvate dehydrogenase E3 deficiency. Last evaluated: 2025-02-24. Review status: criteria provided, single submitter. Criteria: Invitae Variant Classification Sherloc (09022015). Collection method: clinical testing. Allele origin: germline.
Comment: This sequence change replaces alanine, which is neutral and non-polar, with valine, which is neutral and non-polar, at codon 501 of the DLD protein (p.Ala501Val). This variant is present in population databases (rs527263746, gnomAD 0.007%). This variant has not been reported in the literature in individuals affected with DLD-related conditions. ClinVar contains an entry for this variant (Variation ID: 2158829). Invitae Evidence Modeling of protein sequence and biophysical properties (such as structural, functional, and spatial information, amino acid conservation, physicochemical variation, residue mobility, and thermodynamic stability) has been performed for this missense variant. However, the output from this modeling did not meet the statistical confidence thresholds required to predict the impact of this variant on DLD protein function. In summary, the available evidence is currently insufficient to determine the role of this variant in disease. Therefore, it has been classified as a Variant of Uncertain Significance.

GeneDx
Classification: Uncertain significance. Last evaluated: 2024-10-25. Review status: criteria provided, single submitter. Criteria: GeneDx Variant Classification Process June 2021. Collection method: clinical testing. Allele origin: germline. Affected: yes.
Comment: Not observed at significant frequency in large population cohorts (gnomAD); In silico analysis supports that this missense variant has a deleterious effect on protein structure/function; Has not been previously published as pathogenic or benign to our knowledge

Ambry Genetics
Classification: Uncertain significance for Inborn genetic diseases. Last evaluated: 2020-12-29. Review status: criteria provided, single submitter. Criteria: Ambry Variant Classification Scheme 2023. Collection method: clinical testing. Allele origin: germline.
Comment: The c.1502C>T (p.A501V) alteration is located in exon 14 (coding exon 14) of the DLD gene. This alteration results from a C to T substitution at nucleotide position 1502, causing the alanine (A) at amino acid position 501 to be replaced by a valine (V). The in silico prediction for the p.A501V alteration is inconclusive. Based on insufficient or conflicting evidence, the clinical significance of this alteration remains unclear.